The following is an entry in ClinVar:

NM_006303.4(AIMP2):c.61C>T (p.Pro21Ser)

Gene: AIMP2 (aminoacyl tRNA synthetase complex interacting multifunctional protein 2; plus strand). Cytogenetic location: 7p22.1.
Variant type: single nucleotide variant.
Coding change: c.61C>T on transcript NM_006303.4 (MANE Select); coding-DNA position 61, C replaced by T.
Protein change: p.Pro21Ser; replaces proline 21 with serine.
Molecular consequence: missense variant. On other transcripts: 5 prime UTR variant (1), intron variant (3).
Genome position (GRCh38, 1-based): chr7:6,009,424, C>T. VCF-style: chr7-6009424-C-T. GRCh37 (hg19) VCF-style: chr7-6049055-C-T.
Other names: c.61C>T, p.Pro21Ser (NM_001326607.2); c.-260C>T (NM_001326609.2); c.-238+46C>T (NM_001326611.3); c.-251+46C>T (NM_001326610.2); c.15+46C>T (NM_001326606.2); short protein forms P21S.
Identifiers: ClinVar variation 2047946 (VCV002047946.4), dbSNP rs766798963, ClinGen allele CA366745379.
Genomic context (GRCh38, chr7:6,009,424, plus strand): 5'-ATGCCGATGTACCAGGTAAAGCCCTATCACGGGGGCGGCGCGCCTCTCCGTGTGGAGCTT[C>T]CCACCTGCATGTACCGGCTCCCCAACGTGCACGGCAGGAGCTACGGCCCAGCGCCGGGCG-3'
Protein context (NP_006294.2, residues 11-31): GGGAPLRVEL[Pro21Ser]TCMYRLPNVH

ClinVar aggregate classification (germline): Uncertain significance (1 of 4 stars; one submission).

Submission:

Labcorp Genetics (formerly Invitae), Labcorp
Classification: Uncertain significance. Last evaluated: 2022-08-16. Review status: criteria provided, single submitter. Criteria: Invitae Variant Classification Sherloc (09022015). Collection method: clinical testing. Allele origin: germline.
Comment: This sequence change replaces proline, which is neutral and non-polar, with serine, which is neutral and polar, at codon 21 of the AIMP2 protein (p.Pro21Ser). This variant is not present in population databases (gnomAD no frequency). This variant has not been reported in the literature in individuals affected with AIMP2-related conditions. Algorithms developed to predict the effect of missense changes on protein structure and function are either unavailable or do not agree on the potential impact of this missense change (SIFT: "Deleterious"; PolyPhen-2: "Probably Damaging"; Align-GVGD: "Class C0"). In summary, the available evidence is currently insufficient to determine the role of this variant in disease. Therefore, it has been classified as a Variant of Uncertain Significance.